The following is an entry in ClinVar:

NM_020631.6(PLEKHG5):c.2989C>G (p.Leu997Val)

Gene: PLEKHG5 (pleckstrin homology and RhoGEF domain containing G5; minus strand). Cytogenetic location: 1p36.31.
Variant type: single nucleotide variant.
Coding change: c.2989C>G on transcript NM_020631.6 (MANE Select); coding-DNA position 2989, C replaced by G.
Protein change: p.Leu997Val; replaces leucine 997 with valine.
Molecular consequence: missense variant.
Genome position (GRCh38, 1-based): chr1:6,467,847, G>C on the plus strand (C>G on the coding strand, the complement: PLEKHG5 is on the minus strand). VCF-style: chr1-6467847-G-C. GRCh37 (hg19) VCF-style: chr1-6527907-G-C.
Other names: c.3100C>G, p.Leu1034Val (NM_001042663.3, NM_001265592.2); c.2989C>G, p.Leu997Val (NM_001042664.2, NM_001042665.2, NM_198681.4); c.3196C>G, p.Leu1066Val (NM_001265593.2); c.2789C>G, p.Ala930Gly (NM_001265594.3); short protein forms A930G, L997V, L1066V, L1034V.
Identifiers: ClinVar variation 858211 (VCV000858211.10), dbSNP rs1360003341, ClinGen allele CA338113378.
Genomic context (GRCh38, chr1:6,467,847, plus strand): 5'-CCTGAGCCACCTGCCCTACCCCAGTCCAGGCCACTCACGAGGCAGTGAGCGTGGAGTTAA[G>C]CAGCAGGGTGGTCCTGATTCGGTAGAGCTGGGCCAGGGTCAGCTTCCTGTGCTGGGCAGA-3'
Protein context (NP_065682.2, residues 987-1006): QLYRIRTTLL[Leu997Val]NSTLTASEV

ClinVar aggregate classification (germline): Uncertain significance. Review status: criteria provided, multiple submitters, no conflicts (2 of 4 stars). 2 submissions from 2 submitters: Uncertain significance (2). Last evaluated 2025-12-09.

Conditions:
Inborn genetic diseases. Identifiers: MedGen C0950123, MeSH D030342.
Charcot-Marie-Tooth disease recessive intermediate C. Also called: CHARCOT-MARIE-TOOTH NEUROPATHY, RECESSIVE INTERMEDIATE C. Identifiers: Orphanet 369867, MedGen C3809309, MONDO:0014154, OMIM 615376.
Neuronopathy, distal hereditary motor, autosomal recessive 4. Also called: Autosomal recessive lower motor neuron disease with childhood onset; NEUROPATHY, DISTAL HEREDITARY MOTOR, AUTOSOMAL RECESSIVE 4. Identifiers: Orphanet 206580, MedGen C1970211, MONDO:0012608, OMIM 611067.

Allele frequency attached by ClinVar (database versions not stated): gnomAD exomes below 0.00001 and 0.00001; gnomAD 0.00001; TOPMed 0.00001.
gnomAD v4.1: 7 of 1,613,148 alleles (0.00043%); highest among the groups gnomAD compares: Non-Finnish European, 0.00051%; no homozygotes.

Submissions (2):

Ambry Genetics
Classification: Uncertain significance for Inborn genetic diseases. Last evaluated: 2025-12-09. Review status: criteria provided, single submitter. Criteria: Ambry Variant Classification Scheme 2023. Collection method: clinical testing. Allele origin: germline.

Labcorp Genetics (formerly Invitae), Labcorp
Classification: Uncertain significance for Neuronopathy, distal hereditary motor, autosomal recessive 4; Charcot-Marie-Tooth disease recessive intermediate C. Last evaluated: 2022-03-17. Review status: criteria provided, single submitter. Criteria: Invitae Variant Classification Sherloc (09022015). Collection method: clinical testing. Allele origin: germline.
Comment: This sequence change replaces leucine, which is neutral and non-polar, with valine, which is neutral and non-polar, at codon 997 of the PLEKHG5 protein (p.Leu997Val). The frequency data for this variant in the population databases is considered unreliable, as metrics indicate poor data quality at this position in the gnomAD database. This variant has not been reported in the literature in individuals affected with PLEKHG5-related conditions. ClinVar contains an entry for this variant (Variation ID: 858211). Algorithms developed to predict the effect of missense changes on protein structure and function are either unavailable or do not agree on the potential impact of this missense change (SIFT: "Tolerated"; PolyPhen-2: "Probably Damaging"; Align-GVGD: "Class C0"). In summary, the available evidence is currently insufficient to determine the role of this variant in disease. Therefore, it has been classified as a Variant of Uncertain Significance.